The following is an entry in ClinVar:

NM_001367561.1(DOCK7):c.4528G>A (p.Val1510Met)

Gene: DOCK7 (dedicator of cytokinesis 7; minus strand). Cytogenetic location: 1p31.3.
Variant type: single nucleotide variant.
Coding change: c.4528G>A on transcript NM_001367561.1 (MANE Select); coding-DNA position 4528, G replaced by A.
Protein change: p.Val1510Met; replaces valine 1510 with methionine.
Molecular consequence: missense variant.
Genome position (GRCh38, 1-based): chr1:62,505,765, C>T on the plus strand (G>A on the coding strand, the complement: DOCK7 is on the minus strand). VCF-style: chr1-62505765-C-T. GRCh37 (hg19) VCF-style: chr1-62971436-C-T.
Other names: c.4501G>A, p.Val1501Met (NM_001271999.2, NM_001330614.2); c.4408G>A, p.Val1470Met (NM_001272000.2, NM_001272001.2); c.4435G>A, p.Val1479Met (NM_033407.4); short protein forms V1479M, V1470M, V1510M, V1501M.
Identifiers: ClinVar variation 1047853 (VCV001047853.9), dbSNP rs1646919023, ClinGen allele CA340619696.

ClinVar aggregate classification (germline): Uncertain significance (1 of 4 stars; one submission).

Conditions:
Developmental and epileptic encephalopathy, 23 (DEE23). Also called: Epileptic encephalopathy, early infantile, 23. Identifiers: Orphanet 411986, MedGen C4014492, MONDO:0014371, OMIM 615859.

Allele frequency attached by ClinVar (database versions not stated): gnomAD exomes below 0.00001; TOPMed below 0.00001; gnomAD 0.00001.
gnomAD v4.1: 6 of 1,613,342 alleles (0.00037%); highest among the groups gnomAD compares: Non-Finnish European, 0.00051%; no homozygotes.

Submission:

Labcorp Genetics (formerly Invitae), Labcorp
Classification: Uncertain significance for Developmental and epileptic encephalopathy, 23. Last evaluated: 2020-10-12. Review status: criteria provided, single submitter. Criteria: Invitae Variant Classification Sherloc (09022015). Collection method: clinical testing. Allele origin: germline.
Comment: Algorithms developed to predict the effect of missense changes on protein structure and function are either unavailable or do not agree on the potential impact of this missense change (SIFT: "Deleterious"; PolyPhen-2: "Probably Damaging"; Align-GVGD: "Class C0"). This variant has not been reported in the literature in individuals with DOCK7-related conditions. This variant is not present in population databases (ExAC no frequency). This sequence change replaces valine with methionine at codon 1501 of the DOCK7 protein (p.Val1501Met). The valine residue is highly conserved and there is a small physicochemical difference between valine and methionine. In summary, the available evidence is currently insufficient to determine the role of this variant in disease. Therefore, it has been classified as a Variant of Uncertain Significance.